The following is an entry in ClinVar:

ClinVar aggregate classification (germline): Uncertain significance (1 of 4 stars; one submission).

Allele frequency attached by ClinVar (database versions not stated): TOPMed below 0.00001; gnomAD 0.00001; ExAC 0.00002; gnomAD exomes 0.00002 and 0.00003.
gnomAD v4.1: 32 of 1,207,033 alleles (0.0027%); highest among the groups gnomAD compares: East Asian, 0.095%; no homozygotes.

Submission:

GeneDx
Classification: Uncertain significance. Last evaluated: 2022-01-21. Review status: criteria provided, single submitter. Criteria: GeneDx Variant Classification Process June 2021. Collection method: clinical testing. Allele origin: germline. Affected: yes.
Comment: In silico analysis supports that this missense variant has a deleterious effect on protein structure/function; Has not been previously published as pathogenic or benign to our knowledge

NM_153252.5(BRWD3):c.3591T>A (p.Asn1197Lys)

Gene: BRWD3 (bromodomain and WD repeat domain containing 3; minus strand). Cytogenetic location: Xq21.1.
Variant type: single nucleotide variant.
Coding change: c.3591T>A on transcript NM_153252.5 (MANE Select); coding-DNA position 3591, T replaced by A.
Protein change: p.Asn1197Lys; replaces asparagine 1197 with lysine.
Molecular consequence: missense variant.
Genome position (GRCh38, 1-based): chrX:80,691,064, A>T on the plus strand (T>A on the coding strand, the complement: BRWD3 is on the minus strand). VCF-style: chrX-80691064-A-T. GRCh37 (hg19) VCF-style: chrX-79946563-A-T.
Other names: short protein forms N1197K.
Identifiers: ClinVar variation 1698265 (VCV001698265.2), dbSNP rs780259812, ClinGen allele CA10461821.
Genomic context (GRCh38, chrX:80,691,064, plus strand): 5'-AAGCCATAAAGCTATAAATTTTATAATAAGTGATTAAAAAAAAACAGACCTGTAAAAGCG[A>T]TTTTCAAGTCTCCGCCTGATGGTATTGAGGTCAGTTGGATAAGCAACTACAGTACAATAC-3'
Protein context (NP_694984.5, residues 1187-1207): DLNTIRRRLE[Asn1197Lys]RFYRRISALM